The following is an entry in ClinVar:

ClinVar aggregate classification (germline): Likely pathogenic (1 of 4 stars; one submission).

Conditions:
Primary ciliary dyskinesia 7. Also called: CILIARY DYSKINESIA, PRIMARY, 7, WITH OR WITHOUT SITUS INVERSUS. Identifiers: Orphanet 244, MedGen C2678473, MONDO:0012748, OMIM 611884.

gnomAD v4.1: 1 of 1,610,826 alleles (0.000062%); highest among the groups gnomAD compares: Non-Finnish European, 0.000085%; no homozygotes.

Submission:

3billion
Classification: Likely pathogenic for Primary ciliary dyskinesia 7. Last evaluated: 2025-09-18. Review status: criteria provided, single submitter. Criteria: ACMG Guidelines, 2015. Collection method: clinical testing. Allele origin: germline. Affected: yes.
Comment: The variant is observed at an extremely low frequency in the gnomAD v4.1.0 dataset (total allele frequency: <0.001%). Predicted Consequence/Location: Stop-gained (nonsense): predicted to result in a loss or disruption of normal protein function through nonsense-mediated decay (NMD) or protein truncation. Multiple pathogenic variants are reported downstream of the variant. Therefore, this variant is classified as Likely pathogenic according to the recommendation of ACMG/AMP guideline.

NM_001277115.2(DNAH11):c.790C>T (p.Gln264Ter)

Gene: DNAH11 (dynein axonemal heavy chain 11; plus strand). Cytogenetic location: 7p15.3.
Variant type: single nucleotide variant.
Coding change: c.790C>T on transcript NM_001277115.2 (MANE Select); coding-DNA position 790, C replaced by T.
Protein change: p.Gln264Ter; replaces glutamine 264 with a stop codon.
Molecular consequence: nonsense.
Genome position (GRCh38, 1-based): chr7:21,559,700, C>T. VCF-style: chr7-21559700-C-T. GRCh37 (hg19) VCF-style: chr7-21599318-C-T.
Other names: short protein forms Q264*.
Identifiers: ClinVar variation 4856233 (VCV004856233.1).
Genomic context (GRCh38, chr7:21,559,700, plus strand): 5'-GAATCTGTGGTTATTGAATGGTCACATCAAATCCAAGAAATTATAGAAAGAGATTCAGTG[C>T]AGCGTTTGTTGAATGGTCTTCACTTGTCTCCTCAAGCAGAACTAGATTTCTGGATGATGA-3'